The following is an entry in ClinVar:

NM_018051.5(DYNC2I1):c.2450C>T (p.Pro817Leu)

Gene: DYNC2I1 (dynein 2 intermediate chain 1; plus strand). Cytogenetic location: 7q36.3.
Variant type: single nucleotide variant.
Coding change: c.2450C>T on transcript NM_018051.5 (MANE Select); coding-DNA position 2450, C replaced by T.
Protein change: p.Pro817Leu; replaces proline 817 with leucine.
Molecular consequence: missense variant.
Genome position (GRCh38, 1-based): chr7:158,927,008, C>T. VCF-style: chr7-158927008-C-T. GRCh37 (hg19) VCF-style: chr7-158719699-C-T.
Other names: c.2312C>T, p.Pro771Leu (NM_001350914.2); c.1877C>T, p.Pro626Leu (NM_001350915.2); c.989C>T, p.Pro330Leu (NM_001350916.2); c.1202C>T, p.Pro401Leu (NM_001350917.2, NM_001350918.2); short protein forms P330L, P401L, P771L, P817L, P626L.
Identifiers: ClinVar variation 1986967 (VCV001986967.4), dbSNP rs759838011, ClinGen allele CA4595015.

ClinVar aggregate classification (germline): Uncertain significance (1 of 4 stars; one submission).

Conditions:
Short-rib thoracic dysplasia 8 with or without polydactyly (SRTD8). Also called: SHORT-RIB THORACIC DYSPLASIA 8 WITH POLYDACTYLY. Identifiers: Orphanet 93271, MedGen C3809691, MONDO:0014214, OMIM 615503.

Allele frequency attached by ClinVar (database versions not stated): TOPMed below 0.00001; ExAC 0.00001; gnomAD exomes 0.00001.
gnomAD v4.1: 13 of 1,603,206 alleles (0.00081%); highest among the groups gnomAD compares: South Asian, 0.0011%; no homozygotes.

Submission:

Labcorp Genetics (formerly Invitae), Labcorp
Classification: Uncertain significance for Short-rib thoracic dysplasia 8 with or without polydactyly. Last evaluated: 2022-10-14. Review status: criteria provided, single submitter. Criteria: Invitae Variant Classification Sherloc (09022015). Collection method: clinical testing. Allele origin: germline.
Comment: This sequence change replaces proline, which is neutral and non-polar, with leucine, which is neutral and non-polar, at codon 817 of the WDR60 protein (p.Pro817Leu). The frequency data for this variant in the population databases is considered unreliable, as metrics indicate poor data quality at this position in the gnomAD database. In summary, the available evidence is currently insufficient to determine the role of this variant in disease. Therefore, it has been classified as a Variant of Uncertain Significance. Algorithms developed to predict the effect of missense changes on protein structure and function are either unavailable or do not agree on the potential impact of this missense change (SIFT: "Tolerated"; PolyPhen-2: "Possibly Damaging"; Align-GVGD: "Class C0"). This variant has not been reported in the literature in individuals affected with WDR60-related conditions.